The following is an entry in ClinVar:

NM_001031710.3(KLHL7):c.1586T>C (p.Ile529Thr)

Gene: KLHL7 (kelch like family member 7; plus strand). Cytogenetic location: 7p15.3.
Variant type: single nucleotide variant.
Coding change: c.1586T>C on transcript NM_001031710.3 (MANE Select); coding-DNA position 1586, T replaced by C.
Protein change: p.Ile529Thr; replaces isoleucine 529 with threonine.
Molecular consequence: missense variant. On other transcripts: non-coding transcript variant (1).
Genome position (GRCh38, 1-based): chr7:23,174,123, T>C. VCF-style: chr7-23174123-T-C. GRCh37 (hg19) VCF-style: chr7-23213742-T-C.
Other names: c.1442T>C, p.Ile481Thr (NM_018846.5); short protein forms I529T, I481T.
Identifiers: ClinVar variation 962011 (VCV000962011.10), dbSNP rs143308284, ClinGen allele CA4186654.

ClinVar aggregate classification (germline): Uncertain significance. Review status: criteria provided, multiple submitters, no conflicts (2 of 4 stars). 2 submissions from 2 submitters: Uncertain significance (2). Last evaluated 2025-09-13.

Conditions:
Inborn genetic diseases. Identifiers: MedGen C0950123, MeSH D030342.

Allele frequency attached by ClinVar (database versions not stated): gnomAD 0.00001; gnomAD exomes 0.00001 and 0.00002; ExAC 0.00002; TOPMed 0.00003; ESP Exome Variant Server 0.00008.
gnomAD v4.1: 6 of 1,614,082 alleles (0.00037%); highest among the groups gnomAD compares: South Asian, 0.0033%; no homozygotes.

Submissions (2):

Labcorp Genetics (formerly Invitae), Labcorp
Classification: Uncertain significance. Last evaluated: 2025-09-13. Review status: criteria provided, single submitter. Criteria: Invitae Variant Classification Sherloc (09022015). Collection method: clinical testing. Allele origin: germline.
Comment: This sequence change replaces isoleucine, which is neutral and non-polar, with threonine, which is neutral and polar, at codon 529 of the KLHL7 protein (p.Ile529Thr). This variant is present in population databases (rs143308284, gnomAD 0.007%). This variant has not been reported in the literature in individuals affected with KLHL7-related conditions. ClinVar contains an entry for this variant (Variation ID: 962011). An algorithm developed to predict the effect of missense changes on protein structure and function outputs the following: PolyPhen-2: "Benign". The threonine amino acid residue is found in multiple mammalian species, which suggests that this missense change does not adversely affect protein function. In summary, the available evidence is currently insufficient to determine the role of this variant in disease. Therefore, it has been classified as a Variant of Uncertain Significance.

Ambry Genetics
Classification: Uncertain significance for Inborn genetic diseases. Last evaluated: 2025-08-31. Review status: criteria provided, single submitter. Criteria: Ambry Variant Classification Scheme 2023. Collection method: clinical testing. Allele origin: germline.